The following is an entry in ClinVar:

ClinVar aggregate classification (germline): Benign. Review status: criteria provided, single submitter (1 of 4 stars). 2 submissions from 1 submitter: Benign (2). Last evaluated 2018-01-12.

Conditions:
Brain small vessel disease 1 with or without ocular anomalies (BSVD1). Also called: BRAIN SMALL VESSEL DISEASE WITH HEMORRHAGE; GOULD SYNDROME 1; PORENCEPHALY, TYPE 1, AUTOSOMAL DOMINANT; Brain small vessel disease with or without ocular anomalies. Identifiers: Orphanet 2940, Orphanet 36383, Orphanet 99810, MedGen C4755307, MONDO:0008289, OMIM 175780.
Autosomal dominant familial hematuria-retinal arteriolar tortuosity-contractures syndrome. Also called: Angiopathy, hereditary, with nephropathy, aneurysms, and muscle cramps; Hereditary Angiopathy with Nephropathy, Aneurysms, and Muscle Cramps (HANAC) Syndrome. Identifiers: Orphanet 73229, MedGen C2673195, MONDO:0012726, OMIM 611773.

Allele frequency attached by ClinVar (database versions not stated): gnomAD 0.00036 and 0.00034; 1000 Genomes Project 0.00040; TOPMed 0.00041; 1000 Genomes Project 30x 0.00047.

Submissions (2):

Illumina Laboratory Services, Illumina
Classification: Benign for Brain small vessel disease 1 with or without ocular anomalies. Last evaluated: 2018-01-12. Review status: criteria provided, single submitter. Criteria: ICSL Variant Classification Criteria 13 December 2019. Collection method: clinical testing. Allele origin: germline.
Comment: This variant was observed in the ICSL laboratory as part of a predisposition screen in an ostensibly healthy population. It had not been previously curated by ICSL or reported in the Human Gene Mutation Database (HGMD: prior to June 1st, 2018), and was therefore a candidate for classification through an automated scoring system. Utilizing variant allele frequency, disease prevalence and penetrance estimates, and inheritance mode, an automated score was calculated to assess if this variant is too frequent to cause the disease. Based on the score and internal cut-off values, a variant classified as benign is not then subjected to further curation. The score for this variant resulted in a classification of benign for this disease.

Illumina Laboratory Services, Illumina
Classification: Benign for Autosomal dominant familial hematuria-retinal arteriolar tortuosity-contractures syndrome. Last evaluated: 2018-01-12. Review status: criteria provided, single submitter. Criteria: ICSL Variant Classification Criteria 13 December 2019. Collection method: clinical testing. Allele origin: germline.
Comment: the same text as in the submission from Illumina Laboratory Services, Illumina above.

NM_001845.6(COL4A1):c.*609T>C

Gene: COL4A1 (collagen type IV alpha 1 chain; minus strand). Cytogenetic location: 13q34.
Variant type: single nucleotide variant.
Coding change: c.*609T>C on transcript NM_001845.6 (MANE Select); 609 bases downstream of the stop codon, T replaced by C.
Molecular consequence: 3 prime UTR variant.
Genome position (GRCh38, 1-based): chr13:110,149,754, A>G on the plus strand (T>C on the coding strand, the complement: COL4A1 is on the minus strand). VCF-style: chr13-110149754-A-G. GRCh37 (hg19) VCF-style: chr13-110802101-A-G.
Identifiers: ClinVar variation 311010 (VCV000311010.8), dbSNP rs189966143, ClinGen allele CA10638931.
Genomic context (GRCh38, chr13:110,149,754, plus strand): 5'-CTGACATCTATATAAATTACTAATATATATATATATTTAATTTTTGACTATTTTTGGACC[A>G]TCTTTATTCCACAGGAAAATTGTGATTTCTGCAAAAGCAGCTGCAAAGTACCACACATAG-3'